The following is an entry in ClinVar:

NM_006017.3(PROM1):c.806C>T (p.Ala269Val)

Gene: PROM1 (prominin 1; minus strand). Cytogenetic location: 4p15.32.
Variant type: single nucleotide variant.
Coding change: c.806C>T on transcript NM_006017.3 (MANE Select); coding-DNA position 806, C replaced by T.
Protein change: p.Ala269Val; replaces alanine 269 with valine.
Molecular consequence: missense variant.
Genome position (GRCh38, 1-based): chr4:16,018,519, G>A on the plus strand (C>T on the coding strand, the complement: PROM1 is on the minus strand). VCF-style: chr4-16018519-G-A. GRCh37 (hg19) VCF-style: chr4-16020142-G-A.
Other names: c.779C>T, p.Ala260Val (NM_001145847.2, NM_001145848.2, NM_001145851.2 and 4 more transcripts); c.806C>T, p.Ala269Val (NM_001145849.2, NM_001145850.2); short protein forms A269V, A260V.
Identifiers: ClinVar variation 1515044 (VCV001515044.10), dbSNP rs770901015, ClinGen allele CA2866943.
Genomic context (GRCh38, chr4:16,018,519, plus strand): 5'-CTGCTAAGCTGTGTACTTTGTTGGTGCAAGCTCTTCAAGGTGCTGTTCATGTTCTCCAAC[G>A]CCTCTTTGGTCTCCTTGATCGCTATGGAAACACAGCCCGCTTCAGAACACACATGCCAAG-3'
Protein context (NP_006008.1, residues 259-279): MATAIKETKE[Ala269Val]LENMNSTLKS

ClinVar aggregate classification (germline): Uncertain significance. Review status: criteria provided, multiple submitters, no conflicts (2 of 4 stars). 3 submissions from 3 submitters: Uncertain significance (2). 1 of the submissions does not count toward it. Last evaluated 2025-10-02.

Conditions:
Retinal dystrophy. Also called: Inherited retinal dystrophy. Identifiers: Orphanet 71862, MedGen C0854723, MeSH D058499, MONDO:0019118, HP:0000556.

Allele frequency attached by ClinVar (database versions not stated): gnomAD 0.00001 and 0.00002; TOPMed 0.00001; ExAC 0.00002.
gnomAD v4.1: 14 of 1,609,948 alleles (0.00087%); highest among the groups gnomAD compares: Admixed American, 0.0034%; 1 homozygote.

Submissions (3):

Labcorp Genetics (formerly Invitae), Labcorp
Classification: Uncertain significance. Last evaluated: 2025-10-02. Review status: criteria provided, single submitter. Criteria: Invitae Variant Classification Sherloc (09022015). Collection method: clinical testing. Allele origin: germline.
Comment: This sequence change replaces alanine, which is neutral and non-polar, with valine, which is neutral and non-polar, at codon 269 of the PROM1 protein (p.Ala269Val). This variant is present in population databases (rs770901015, gnomAD 0.003%). This variant has not been reported in the literature in individuals affected with PROM1-related conditions. ClinVar contains an entry for this variant (Variation ID: 1515044). Invitae Evidence Modeling of protein sequence and biophysical properties (such as structural, functional, and spatial information, amino acid conservation, physicochemical variation, residue mobility, and thermodynamic stability) has been performed for this missense variant. However, the output from this modeling did not meet the statistical confidence thresholds required to predict the impact of this variant on PROM1 protein function. In summary, the available evidence is currently insufficient to determine the role of this variant in disease. Therefore, it has been classified as a Variant of Uncertain Significance.

Blueprint Genetics
Classification: Uncertain significance. Last evaluated: 2022-11-15. Review status: criteria provided, single submitter. Criteria: ACMG Guidelines, 2015. Collection method: clinical testing. Allele origin: germline.

Institute of Human Genetics, Univ. Regensburg, Univ. Regensburg
Classification: Uncertain significance for Retinal dystrophy. Last evaluated: 2023-01-01. Review status: no assertion criteria provided. Criteria: ACMG Guidelines, 2015. Collection method: clinical testing. Allele origin: germline. Affected: yes. Not counted in ClinVar's aggregate classification.